The following is an entry in ClinVar:

ClinVar aggregate classification (germline): Benign/Likely benign. Review status: criteria provided, multiple submitters, no conflicts (2 of 4 stars). 2 submissions from 2 submitters: Benign (1); Likely benign (1). Last evaluated 2024-10-18.

Conditions:
Hereditary cancer-predisposing syndrome. Also called: Neoplastic Syndromes, Hereditary; Tumor predisposition; Hereditary Cancer Syndrome; Hereditary neoplastic syndrome. Identifiers: Orphanet 140162, MedGen C0027672, MeSH D009386, MONDO:0015356.
Hereditary leiomyomatosis and renal cell cancer. Also called: MULTIPLE CUTANEOUS AND UTERINE LEIOMYOMATA 1, WITH OR WITHOUT RENAL CELL CARCINOMA; LEIOMYOMA, MULTIPLE CUTANEOUS; Reed syndrome; Multiple cutaneous and uterine leiomyomatosis; Cutaneous leiomyomata with uterine leiomyomata; Leiomyoma, hereditary multiple, of skin. Identifiers: Orphanet 523, MedGen C1708350, MONDO:0007888, OMIM 150800, HP:0007437. Disease mechanism: loss of function.

Allele frequency attached by ClinVar (database versions not stated): gnomAD exomes below 0.00001.
gnomAD v4.1: 5 of 1,614,228 alleles (0.00031%); highest among the groups gnomAD compares: Non-Finnish European, 0.00042%; no homozygotes.

Submissions (2):

Myriad Genetics, Inc.
Classification: Benign for Hereditary leiomyomatosis and renal cell cancer. Last evaluated: 2024-10-18. Review status: criteria provided, single submitter. Criteria: Myriad Autosomal Dominant, Autosomal Recessive and X-Linked Classification Criteria (2023). Collection method: clinical testing. Allele origin: unknown.
Comment: This variant is considered benign. This variant is a silent/synonymous amino acid change and it is not expected to impact splicing.

Ambry Genetics
Classification: Likely benign for Hereditary cancer-predisposing syndrome. Last evaluated: 2022-02-25. Review status: criteria provided, single submitter. Criteria: Ambry Variant Classification Scheme 2023. Collection method: clinical testing. Allele origin: germline.

NM_000143.4(FH):c.930T>C (p.Asn310=)

Gene: FH (fumarate hydratase; minus strand). Cytogenetic location: 1q43.
Variant type: single nucleotide variant.
Coding change: c.930T>C on transcript NM_000143.4 (MANE Select); coding-DNA position 930, T replaced by C.
Protein change: p.Asn310=; no amino-acid change (asparagine 310 retained).
Molecular consequence: synonymous variant.
Genome position (GRCh38, 1-based): chr1:241,504,220, A>G on the plus strand (T>C on the coding strand, the complement: FH is on the minus strand). VCF-style: chr1-241504220-A-G. GRCh37 (hg19) VCF-style: chr1-241667520-A-G.
Identifiers: ClinVar variation 1766540 (VCV001766540.3), dbSNP rs549087719, ClinGen allele CA40327916.